The following is an entry in ClinVar:

ClinVar aggregate classification (germline): Likely pathogenic (1 of 4 stars; one submission).

Conditions:
Intramuscular hemangioma. Identifiers: MedGen C0205789, MONDO:0003088.

Submission:

Clinical Genomics Laboratory, Washington University in St. Louis
Classification: Likely pathogenic for Intramuscular hemangioma. Last evaluated: 2025-05-01. Review status: criteria provided, single submitter. Criteria: Leon-Quintero et al. (Clin Genet. 2025). Collection method: clinical testing. Allele origin: somatic. Affected: yes.
Comment: An HRAS c.174_179delinsATCTGGATACAT (p.Ala59_Gly60delinsSerGlyTyrIle) variant was identified at an allelic fraction consistent with somatic origin. This exact variant, to our knowledge, has only been reported in the literature in this specific patient (Hou YC Claire et al., PMID: 36571464), however, several other similar in frame indels in this region of the HRAS gene have been reported and are considered likely pathogenic/pathogenic (Hou YC Claire et al., PMID: 36571464). This variant is absent from the general population (gnomAD v4.1.0), indicating it is not a common variant and resides within a region, the switch II domain of HRAS, that is defined as a critical functional domain (Gelb BD et al., PMID: 29493581). The HRAS c.174_179delinsATCTGGATACAT (p.Ala59_Gly60delinsSerGlyTyrIle) variant is predicted to cause a change in the length of the protein due to an in-frame insertion of two amino acids in a non-repeat region. Based on an internally developed protocol informed by the ACMG/AMP guidelines (Leon-Quintero FZ et al., PMID: 39434542) and gene-specific practices from the ClinGen Criteria Specification Registry (Gelb BD et al., PMID: 29493581), the HRAS c.174_179delinsATCTGGATACAT (p.Ala59_Gly60delinsSerGlyTyrIle) variant is classified as likely pathogenic.

NM_005343.4(HRAS):c.174_179delinsATCTGGATACAT (p.Ala59_Gly60delinsSerGlyTyrIle)

Genes: HRAS (HRas proto-oncogene, GTPase; minus strand), LRRC56 (leucine rich repeat containing 56; plus strand). Cytogenetic location: 11p15.5.
Variant type: Indel.
Coding change: c.174_179delinsATCTGGATACAT on transcript NM_005343.4 (MANE Select); coding-DNA positions 174 to 179, CGCCGG replaced by ATCTGGATACAT.
Protein change: p.Ala59_Gly60delinsSerGlyTyrIle.
Molecular consequence: inframe indel. On other transcripts: 5 prime UTR variant (1), intron variant (2).
Genome position (GRCh38, 1-based): chr11:533,877-533,882, CCGGCG replaced by ATGTATCCAGAT on the plus strand (CGCCGG replaced by ATCTGGATACAT on the coding strand, the reverse complement: HRAS is on the minus strand). VCF-style: chr11-533877-CCGGCG-ATGTATCCAGAT. GRCh37 (hg19) VCF-style: chr11-533877-CCGGCG-ATGTATCCAGAT.
Other names: c.174_179delinsATCTGGATACAT, p.Ala59_Gly60delinsSerGlyTyrIle (NM_001130442.3, NM_176795.5); c.-146_-141delinsATCTGGATACAT (NM_001318054.2); c.-162+5540_-162+5545delinsATGTATCCAGAT (NM_001441284.1, NM_001441286.1).
Identifiers: ClinVar variation 4279978 (VCV004279978.1).